The following is an entry in ClinVar:

NM_015311.3(OBSL1):c.2416G>A (p.Val806Met)

Gene: OBSL1 (obscurin like cytoskeletal adaptor 1; minus strand). Cytogenetic location: 2q35.
Variant type: single nucleotide variant.
Coding change: c.2416G>A on transcript NM_015311.3 (MANE Select); coding-DNA position 2416, G replaced by A.
Protein change: p.Val806Met; replaces valine 806 with methionine.
Molecular consequence: missense variant.
Genome position (GRCh38, 1-based): chr2:219,563,619, C>T on the plus strand (G>A on the coding strand, the complement: OBSL1 is on the minus strand). VCF-style: chr2-219563619-C-T. GRCh37 (hg19) VCF-style: chr2-220428341-C-T.
Other names: c.2416G>A, p.Val806Met (NM_001173408.2, NM_001173431.2); short protein forms V806M.
Identifiers: ClinVar variation 2885992 (VCV002885992.4), dbSNP rs377151839, ClinGen allele CA2131222.

ClinVar aggregate classification (germline): Uncertain significance. Review status: criteria provided, multiple submitters, no conflicts (2 of 4 stars). 2 submissions from 2 submitters: Uncertain significance (2). Last evaluated 2024-05-16.

Allele frequency attached by ClinVar (database versions not stated): gnomAD exomes 0.00002; ExAC 0.00003; ESP Exome Variant Server 0.00008; TOPMed 0.00010; gnomAD 0.00015.

Submissions (2):

Labcorp Genetics (formerly Invitae), Labcorp
Classification: Uncertain significance. Last evaluated: 2024-05-16. Review status: criteria provided, single submitter. Criteria: Invitae Variant Classification Sherloc (09022015). Collection method: clinical testing. Allele origin: germline.
Comment: This sequence change replaces valine, which is neutral and non-polar, with methionine, which is neutral and non-polar, at codon 806 of the OBSL1 protein (p.Val806Met). This variant is present in population databases (rs377151839, gnomAD 0.06%). This variant has not been reported in the literature in individuals affected with OBSL1-related conditions. An algorithm developed to predict the effect of missense changes on protein structure and function (PolyPhen-2) suggests that this variant is likely to be tolerated. In summary, the available evidence is currently insufficient to determine the role of this variant in disease. Therefore, it has been classified as a Variant of Uncertain Significance.

Women's Health and Genetics/Laboratory Corporation of America, LabCorp
Classification: Uncertain significance. Last evaluated: 2024-01-05. Review status: criteria provided, single submitter. Criteria: LabCorp Variant Classification Summary - May 2015. Collection method: clinical testing. Allele origin: germline.
Comment: Variant summary: OBSL1 c.2416G>A (p.Val806Met) results in a conservative amino acid change located in the Immunoglobulin-like domain (IPR007110) of the encoded protein sequence. Three of five in-silico tools predict a damaging effect of the variant on protein function. The variant allele was found at a frequency of 4.1e-05 in 246410 control chromosomes. This frequency is not significantly higher than estimated for a pathogenic variant in OBSL1 causing Three M Syndrome 2 (4.1e-05 vs 0.0011), allowing no conclusion about variant significance. To our knowledge, no occurrence of c.2416G>A in individuals affected with Three M Syndrome 2 and no experimental evidence demonstrating its impact on protein function have been reported. No submitters have cited clinical-significance assessments for this variant to ClinVar. Based on the evidence outlined above, the variant was classified as uncertain significance.